The following is an entry in ClinVar:

ClinVar aggregate classification (germline): Uncertain significance (1 of 4 stars; one submission).

Allele frequency attached by ClinVar (database versions not stated): gnomAD exomes below 0.00001.
gnomAD v4.1: 2 of 1,613,936 alleles (0.00012%); highest among the groups gnomAD compares: Admixed American, 0.0017%; no homozygotes.

Submission:

Labcorp Genetics (formerly Invitae), Labcorp
Classification: Uncertain significance. Last evaluated: 2021-08-16. Review status: criteria provided, single submitter. Criteria: Invitae Variant Classification Sherloc (09022015). Collection method: clinical testing. Allele origin: germline.
Comment: This sequence change replaces serine with glycine at codon 422 of the OPA1 protein (p.Ser422Gly). The serine residue is moderately conserved and there is a small physicochemical difference between serine and glycine. This variant is not present in population databases (ExAC no frequency). This variant has not been reported in the literature in individuals affected with OPA1-related conditions. Advanced modeling of protein sequence and biophysical properties (such as structural, functional, and spatial information, amino acid conservation, physicochemical variation, residue mobility, and thermodynamic stability) performed at Invitae indicates that this missense variant is expected to disrupt OPA1 protein function. In summary, the available evidence is currently insufficient to determine the role of this variant in disease. Therefore, it has been classified as a Variant of Uncertain Significance.

NM_130837.3(OPA1):c.1429A>G (p.Ser477Gly)

Gene: OPA1 (OPA1 mitochondrial dynamin like GTPase; plus strand). Cytogenetic location: 3q29.
Variant type: single nucleotide variant.
Coding change: c.1429A>G on transcript NM_130837.3 (MANE Select); coding-DNA position 1429, A replaced by G.
Protein change: p.Ser477Gly; replaces serine 477 with glycine.
Molecular consequence: missense variant.
Genome position (GRCh38, 1-based): chr3:193,643,579, A>G. VCF-style: chr3-193643579-A-G. GRCh37 (hg19) VCF-style: chr3-193361368-A-G.
Other names: c.895A>G, p.Ser299Gly (NM_001354663.2); c.892A>G, p.Ser298Gly (NM_001354664.2); c.1264A>G, p.Ser422Gly (NM_015560.3); c.1156A>G, p.Ser386Gly (NM_130831.3); c.1210A>G, p.Ser404Gly (NM_130832.3); c.1267A>G, p.Ser423Gly (NM_130833.3); c.1318A>G, p.Ser440Gly (NM_130834.3); c.1321A>G, p.Ser441Gly (NM_130835.3); and 1 more; short protein forms S299G, S423G, S386G, S298G, S404G, S441G, S422G, S440G.
Identifiers: ClinVar variation 1354753 (VCV001354753.1), dbSNP rs1231502335, ClinGen allele CA355789561.